The following is an entry in ClinVar:

ClinVar aggregate classification (germline): Uncertain significance (1 of 4 stars; one submission).

Conditions:
Charcot-Marie-Tooth disease dominant intermediate C (CMTDIC). Also called: CHARCOT-MARIE-TOOTH NEUROPATHY, DOMINANT INTERMEDIATE C. Identifiers: Orphanet 100045, MedGen C1842237, MONDO:0012012, OMIM 608323.

Allele frequency attached by ClinVar (database versions not stated): ExAC 0.00001.
gnomAD v4.1: 4 of 1,614,094 alleles (0.00025%); highest among the groups gnomAD compares: African/African-American, 0.0053%; no homozygotes.

Submission:

Labcorp Genetics (formerly Invitae), Labcorp
Classification: Uncertain significance for Charcot-Marie-Tooth disease dominant intermediate C. Last evaluated: 2023-03-07. Review status: criteria provided, single submitter. Criteria: Invitae Variant Classification Sherloc (09022015). Collection method: clinical testing. Allele origin: germline.
Comment: In summary, the available evidence is currently insufficient to determine the role of this variant in disease. Therefore, it has been classified as a Variant of Uncertain Significance. Advanced modeling of protein sequence and biophysical properties (such as structural, functional, and spatial information, amino acid conservation, physicochemical variation, residue mobility, and thermodynamic stability) performed at Invitae indicates that this missense variant is expected to disrupt YARS protein function. This variant has not been reported in the literature in individuals affected with YARS-related conditions. This variant is present in population databases (rs776703606, gnomAD 0.008%). This sequence change replaces cysteine, which is neutral and slightly polar, with serine, which is neutral and polar, at codon 250 of the YARS protein (p.Cys250Ser).

NM_003680.4(YARS1):c.749G>C (p.Cys250Ser)

Genes: YARS1 (tyrosyl-tRNA synthetase 1; minus strand), LOC126805688 (BRD4-independent group 4 enhancer GRCh37_chr1:33251929-33253128; plus strand). Cytogenetic location: 1p35.1.
Variant type: single nucleotide variant.
Coding change: c.749G>C on transcript NM_003680.4 (MANE Select); coding-DNA position 749, G replaced by C.
Protein change: p.Cys250Ser; replaces cysteine 250 with serine.
Molecular consequence: missense variant.
Genome position (GRCh38, 1-based): chr1:32,787,011, C>G on the plus strand (G>C on the coding strand, the complement: YARS1 is on the minus strand). VCF-style: chr1-32787011-C-G. GRCh37 (hg19) VCF-style: chr1-33252612-C-G.
Other names: short protein forms C250S.
Identifiers: ClinVar variation 2914417 (VCV002914417.3), dbSNP rs776703606, ClinGen allele CA745117.